The following is an entry in ClinVar:

ClinVar aggregate classification (germline): Uncertain significance (1 of 4 stars; one submission).

gnomAD v4.1: 6 of 1,562,134 alleles (0.00038%); highest among the groups gnomAD compares: Non-Finnish European, 0.00052%; no homozygotes.

Submission:

Labcorp Genetics (formerly Invitae), Labcorp
Classification: Uncertain significance. Last evaluated: 2022-02-18. Review status: criteria provided, single submitter. Criteria: Invitae Variant Classification Sherloc (09022015). Collection method: clinical testing. Allele origin: germline.
Comment: In summary, the available evidence is currently insufficient to determine the role of this variant in disease. Therefore, it has been classified as a Variant of Uncertain Significance. Algorithms developed to predict the effect of missense changes on protein structure and function are either unavailable or do not agree on the potential impact of this missense change (SIFT: "Deleterious"; PolyPhen-2: "Probably Damaging"; Align-GVGD: "Class C15"). This variant has not been reported in the literature in individuals affected with FSCN2-related conditions. This variant is present in population databases (rs782151927, gnomAD 0.001%). This sequence change replaces glycine, which is neutral and non-polar, with arginine, which is basic and polar, at codon 112 of the FSCN2 protein (p.Gly112Arg).

NM_012418.4(FSCN2):c.334G>C (p.Gly112Arg)

Gene: FSCN2 (fascin actin-bundling protein 2, retinal; plus strand). Cytogenetic location: 17q25.3.
Variant type: single nucleotide variant.
Coding change: c.334G>C on transcript NM_012418.4 (MANE Select); coding-DNA position 334, G replaced by C.
Protein change: p.Gly112Arg; replaces glycine 112 with arginine.
Molecular consequence: missense variant.
Genome position (GRCh38, 1-based): chr17:81,528,865, G>C. VCF-style: chr17-81528865-G-C. GRCh37 (hg19) VCF-style: chr17-79495891-G-C.
Other names: c.334G>C, p.Gly112Arg (NM_001077182.3); short protein forms G112R.
Identifiers: ClinVar variation 1916926 (VCV001916926.5), dbSNP rs782151927, ClinGen allele CA8836648.
Genomic context (GRCh38, chr17:81,528,865, plus strand): 5'-GTCCTGCCGCAGCCAGATGGGCGCTGGGTGCTGCGGTCCGAGCCGCACGGCCGCTTCTTC[G>C]GAGGCACCGAGGACCAGCTGTCCTGCTTCGCCACAGCCGTTTCCCCGGCCGAGCTGTGGA-3'
Protein context (NP_036550.1, residues 102-122): LRSEPHGRFF[Gly112Arg]GTEDQLSCFA